The following is an entry in ClinVar:

NM_001244008.2(KIF1A):c.5151G>T (p.Arg1717=)

Gene: KIF1A (kinesin family member 1A; minus strand). Cytogenetic location: 2q37.3.
Variant type: single nucleotide variant.
Coding change: c.5151G>T on transcript NM_001244008.2 (MANE Select); coding-DNA position 5151, G replaced by T.
Protein change: p.Arg1717=; no amino-acid change (arginine 1717 retained).
Molecular consequence: synonymous variant.
Genome position (GRCh38, 1-based): chr2:240,719,069, C>A on the plus strand (G>T on the coding strand, the complement: KIF1A is on the minus strand). VCF-style: chr2-240719069-C-A. GRCh37 (hg19) VCF-style: chr2-241658486-C-A.
Other names: p.Arg1616=; c.4875G>T, p.Arg1625= (NM_001320705.2, NM_001379649.1); c.4902G>T, p.Arg1634= (NM_001330289.2); c.4950G>T, p.Arg1650= (NM_001330290.2, NM_001379648.1); c.5226G>T, p.Arg1742= (NM_001379631.1); c.5127G>T, p.Arg1709= (NM_001379632.1); c.5124G>T, p.Arg1708= (NM_001379633.1, NM_001379645.1); c.4977G>T, p.Arg1659= (NM_001379634.1); and 9 more.
Identifiers: ClinVar variation 383824 (VCV000383824.22), dbSNP rs183583788, ClinGen allele CA2207164.

ClinVar aggregate classification (germline): Likely benign. Review status: criteria provided, multiple submitters, no conflicts (2 of 4 stars). 5 submissions from 5 submitters: Likely benign (5). Last evaluated 2025-12-22.

Conditions:
Inborn genetic diseases. Identifiers: MedGen C0950123, MeSH D030342.
Neuropathy, hereditary sensory, type 2C. Also called: Hereditary sensory and autonomic neuropathy type IIC; KIF1A-Related HSAN2 (HSAN2C). Identifiers: Orphanet 970, MedGen C3280168, MONDO:0013634, OMIM 614213.
Intellectual disability, autosomal dominant 9 (NESCAVS). Also called: NESCAV SYNDROME; KIF1A-Related Neurodevelopmental Disorder. Identifiers: Orphanet 662367, MedGen C5393830, MONDO:0013656, OMIM 614255.
Hereditary spastic paraplegia 30. Identifiers: Orphanet 101010, MedGen C5235139, MONDO:0012476.

Allele frequency attached by ClinVar (database versions not stated): gnomAD 0.00007 and 0.00009; ExAC 0.00008; gnomAD exomes 0.00008 and 0.00015; TOPMed 0.00009; ESP Exome Variant Server 0.00015.
gnomAD v4.1: 219 of 1,612,492 alleles (0.014%); highest among the groups gnomAD compares: Non-Finnish European, 0.018%; no homozygotes.

Submissions (5):

Labcorp Genetics (formerly Invitae), Labcorp
Classification: Likely benign for Hereditary spastic paraplegia 30; Neuropathy, hereditary sensory, type 2C; Intellectual disability, autosomal dominant 9. Last evaluated: 2025-12-22. Review status: criteria provided, single submitter. Criteria: Invitae Variant Classification Sherloc (09022015). Collection method: clinical testing. Allele origin: germline.

CeGaT Center for Human Genetics Tuebingen
Classification: Likely benign. Last evaluated: 2025-11-01. Review status: criteria provided, single submitter. Criteria: CeGaT Center For Human Genetics Tuebingen Variant Classification Criteria Version 2. Collection method: clinical testing. Allele origin: germline. Affected: yes. Observed: 1 variant allele.
Comment: KIF1A: BP4, BP7

Mayo Clinic Laboratories, Mayo Clinic
Classification: Likely benign. Last evaluated: 2025-02-07. Review status: criteria provided, single submitter. Criteria: ACMG Guidelines, 2015. Collection method: clinical testing. Allele origin: germline. Observed: 1 variant allele.
Comment: BP4, BP7

Ambry Genetics
Classification: Likely benign for Inborn genetic diseases. Last evaluated: 2019-07-11. Review status: criteria provided, single submitter. Criteria: Ambry Variant Classification Scheme 2023. Collection method: clinical testing. Allele origin: germline.

GeneDx
Classification: Likely benign. Last evaluated: 2018-10-10. Review status: criteria provided, single submitter. Criteria: GeneDx Variant Classification Process June 2021. Collection method: clinical testing. Allele origin: germline. Affected: yes.